The following is an entry in ClinVar:

NM_032520.5(GNPTG):c.94G>A (p.Glu32Lys)

Genes: GNPTG (N-acetylglucosamine-1-phosphate transferase subunit gamma; plus strand), LOC130058158 (ATAC-STARR-seq lymphoblastoid silent region 6972; plus strand). Cytogenetic location: 16p13.3.
Variant type: single nucleotide variant.
Coding change: c.94G>A on transcript NM_032520.5 (MANE Select); coding-DNA position 94, G replaced by A.
Protein change: p.Glu32Lys; replaces glutamic acid 32 with lysine.
Molecular consequence: missense variant.
Genome position (GRCh38, 1-based): chr16:1,352,143, G>A. VCF-style: chr16-1352143-G-A. GRCh37 (hg19) VCF-style: chr16-1402144-G-A.
Other names: short protein forms E32K.
Identifiers: ClinVar variation 990356 (VCV000990356.7), dbSNP rs1331412160, ClinGen allele CA394184153.
Genomic context (GRCh38, chr16:1,352,143, plus strand): 5'-ACGGTCTCGCTCCCCGTAGGGCCCGCGCCGGCAGGTGCAGCGAAGATGAAGGTGGTGGAG[G>A]AGCCCAACGCGTTTGGGTGAGCAGCCTCGCGGGCTGGCGGCTCGAGCGGGGGACGGCCCG-3'
Protein context (NP_115909.1, residues 22-42): AGAAKMKVVE[Glu32Lys]PNAFGVNNPF

ClinVar aggregate classification (germline): Uncertain significance. Review status: criteria provided, multiple submitters, no conflicts (2 of 4 stars). 3 submissions from 3 submitters: Uncertain significance (2). 1 of the submissions does not count toward it. Last evaluated 2022-09-13.

Conditions:
GNPTG-mucolipidosis. Also called: MUCOLIPIDOSIS III, COMPLEMENTATION GROUP C; MUCOLIPIDOSIS III, IRANIAN VARIANT FORM; MUCOLIPIDOSIS III, VARIANT FORM; ML III GAMMA; ML IIIC; Mucolipidosis type III gamma. Identifiers: Orphanet 423470, Orphanet 577, MedGen C1854896, MONDO:0009652, OMIM 252605.

Allele frequency attached by ClinVar (database versions not stated): gnomAD exomes below 0.00001; gnomAD 0.00001; TOPMed 0.00001.

Submissions (3):

Labcorp Genetics (formerly Invitae), Labcorp
Classification: Uncertain significance. Last evaluated: 2022-09-13. Review status: criteria provided, single submitter. Criteria: Invitae Variant Classification Sherloc (09022015). Collection method: clinical testing. Allele origin: germline.
Comment: This sequence change replaces glutamic acid, which is acidic and polar, with lysine, which is basic and polar, at codon 32 of the GNPTG protein (p.Glu32Lys). This variant is not present in population databases (gnomAD no frequency). This variant has not been reported in the literature in individuals affected with GNPTG-related conditions. ClinVar contains an entry for this variant (Variation ID: 990356). Advanced modeling of protein sequence and biophysical properties (such as structural, functional, and spatial information, amino acid conservation, physicochemical variation, residue mobility, and thermodynamic stability) performed at Invitae indicates that this missense variant is expected to disrupt GNPTG protein function. In summary, the available evidence is currently insufficient to determine the role of this variant in disease. Therefore, it has been classified as a Variant of Uncertain Significance.

Blueprint Genetics
Classification: Uncertain significance. Last evaluated: 2022-03-01. Review status: criteria provided, single submitter. Criteria: ACMG Guidelines, 2015. Collection method: clinical testing. Allele origin: germline.

Natera, Inc.
Classification: Uncertain significance for Mucolipidosis III gamma. Last evaluated: 2020-08-14. Review status: no assertion criteria provided. Collection method: clinical testing. Allele origin: germline. Not counted in ClinVar's aggregate classification.